The following is an entry in ClinVar:

ClinVar aggregate classification (germline): Uncertain significance (1 of 4 stars; one submission).

Conditions:
Ataxia-telangiectasia syndrome (AT). Also called: Ataxia-telangiectasia, complementation group E; AT, COMPLEMENTATION GROUP C; ATAXIA-TELANGIECTASIA, COMPLEMENTATION GROUP A; ATAXIA-TELANGIECTASIA, FRESNO VARIANT; Ataxia-telangiectasia; LOUIS-BAR SYNDROME. Identifiers: Orphanet 100, MedGen C0004135, MONDO:0008840, OMIM 208900.

Allele frequency attached by ClinVar (database versions not stated): TOPMed below 0.00001.

Submission:

Labcorp Genetics (formerly Invitae), Labcorp
Classification: Uncertain significance for Ataxia-telangiectasia syndrome. Last evaluated: 2015-09-19. Review status: criteria provided, single submitter. Criteria: Invitae Variant Classification Sherloc (09022015). Collection method: clinical testing. Allele origin: germline.
Comment: In summary, this is a novel missense change that is not predicted to affect protein function or cause disease. However the evidence is insufficient at this time to prove that conclusively. It has been classified as a Variant of Uncertain Significance. This variant is not present in population databases and has not been reported in the literature. Algorithms developed to predict the effect of missense changes on protein structure and function (SIFT, PolyPhen-2, Align-GVGD) all suggest that this variant is likely to be tolerated, but these predictions have not been confirmed by published functional studies. This sequence change replaces proline with arginine at codon 1607 of the ATM protein (p.Pro1607Arg). The proline residue is moderately conserved and there is a moderate physicochemical difference between proline and arginine.

NM_000051.4(ATM):c.4820C>G (p.Pro1607Arg)

Gene: ATM (ATM serine/threonine kinase; plus strand). Cytogenetic location: 11q22.3.
Variant type: single nucleotide variant.
Coding change: c.4820C>G on transcript NM_000051.4 (MANE Select); coding-DNA position 4820, C replaced by G.
Protein change: p.Pro1607Arg; replaces proline 1607 with arginine.
Molecular consequence: missense variant.
Genome position (GRCh38, 1-based): chr11:108,294,970, C>G. VCF-style: chr11-108294970-C-G. GRCh37 (hg19) VCF-style: chr11-108165697-C-G.
Other names: c.4820C>G, p.Pro1607Arg (NM_001351834.2); short protein forms P1607R.
Identifiers: ClinVar variation 220290 (VCV000220290.7), dbSNP rs864622462, ClinGen allele CA349859.